The following is an entry in ClinVar:

NM_138694.4(PKHD1):c.10144TTC[1] (p.Phe3383del)

Gene: PKHD1 (PKHD1 ciliary IPT domain containing fibrocystin/polyductin; minus strand). Cytogenetic location: 6p12.3.
Variant type: Microsatellite.
Coding change: c.10144TTC[1] on transcript NM_138694.4 (MANE Select); one copy of the 3-base unit TTC starting at c.10144; the reference has two copies in a row; one copy, 3 bases deleted.
Protein change: p.Phe3383del; deletes phenylalanine 3383.
Molecular consequence: inframe deletion.
Genome position (GRCh38, 1-based): chr6:51,744,392-51,744,394, GAA deleted on the plus strand (TTC on the coding strand, the reverse complement: PKHD1 is on the minus strand); deleting any 3 consecutive bases within chr6:51,744,392-51,744,398 gives the same sequence; the position shown is the placement nearest the transcript's 3' end. VCF-style (leftmost placement, unchanged base first): chr6-51744391-TGAA-T. GRCh37 (hg19) VCF-style: chr6-51609189-TGAA-T.
Other names: c.10144TTC[1], p.Phe3383del (NM_170724.3); short protein forms F3383del.
Identifiers: ClinVar variation 5003835 (VCV005003835.1).

ClinVar aggregate classification (germline): Uncertain significance (1 of 4 stars; one submission).

Conditions:
Polycystic kidney disease 4 (PKD4). Also called: POLYCYSTIC KIDNEY AND HEPATIC DISEASE 1; POLYCYSTIC KIDNEY DISEASE, INFANTILE, TYPE I; PKD3; Autosomal Recessive Polycystic Kidney Disease – PKHD1; POLYCYSTIC KIDNEY DISEASE 4 WITH OR WITHOUT POLYCYSTIC LIVER DISEASE. Identifiers: MedGen C4540575, MONDO:0033004, OMIM 263200.

Submission:

Myriad Genetics, Inc.
Classification: Uncertain significance for Polycystic kidney disease 4. Last evaluated: 2026-03-05. Review status: criteria provided, single submitter. Criteria: Myriad Autosomal Dominant, Autosomal Recessive and X-Linked Classification Criteria (2023). Collection method: clinical testing. Allele origin: unknown.
Comment: NM_138694.3(PKHD1):c.10147_10149delTTC(F3383del) is an in-frame deletion classified as a variant of uncertain significance in the context of autosomal recessive polycystic kidney disease, PKHD1-related. F3383del has not been observed in cases with relevant disease. Relevant functional assessments of this variant are not available in the literature. F3383del has not been observed in referenced population frequency databases. In summary, there is insufficient evidence to classify NM_138694.3(PKHD1):c.10147_10149delTTC(F3383del) as pathogenic or benign. Please note: this variant was assessed in the context of healthy population screening.